The following is an entry in ClinVar:

ClinVar aggregate classification (germline): Conflicting classifications of pathogenicity. Review status: criteria provided, conflicting classifications (1 of 4 stars). 2 submissions from 2 submitters: Uncertain significance (1); Likely benign (1). Last evaluated 2026-07-01.

Allele frequency attached by ClinVar (database versions not stated): ExAC 0.00001; gnomAD exomes 0.00001; TOPMed 0.00001; gnomAD 0.00002.
gnomAD v4.1: 11 of 1,608,790 alleles (0.00068%); highest among the groups gnomAD compares: Non-Finnish European, 0.00076%; no homozygotes.

Submissions (2):

CeGaT Center for Human Genetics Tuebingen
Classification: Likely benign. Last evaluated: 2026-07-01. Review status: criteria provided, single submitter. Criteria: CeGaT Center For Human Genetics Tuebingen Variant Classification Criteria Version 2. Collection method: clinical testing. Allele origin: germline. Affected: yes. Observed: 1 variant allele.
Comment: RAI1: BS2

Labcorp Genetics (formerly Invitae), Labcorp
Classification: Uncertain significance. Last evaluated: 2025-01-20. Review status: criteria provided, single submitter. Criteria: Invitae Variant Classification Sherloc (09022015). Collection method: clinical testing. Allele origin: germline.
Comment: This sequence change replaces aspartic acid, which is acidic and polar, with asparagine, which is neutral and polar, at codon 1120 of the RAI1 protein (p.Asp1120Asn). This variant is present in population databases (rs753153422, gnomAD 0.005%). This variant has not been reported in the literature in individuals affected with RAI1-related conditions. ClinVar contains an entry for this variant (Variation ID: 2889038). Invitae Evidence Modeling of protein sequence and biophysical properties (such as structural, functional, and spatial information, amino acid conservation, physicochemical variation, residue mobility, and thermodynamic stability) indicates that this missense variant is not expected to disrupt RAI1 protein function with a negative predictive value of 80%. In summary, the available evidence is currently insufficient to determine the role of this variant in disease. Therefore, it has been classified as a Variant of Uncertain Significance.

NM_030665.4(RAI1):c.3358G>A (p.Asp1120Asn)

Gene: RAI1 (retinoic acid induced 1; plus strand). Cytogenetic location: 17p11.2.
Variant type: single nucleotide variant.
Coding change: c.3358G>A on transcript NM_030665.4 (MANE Select); coding-DNA position 3358, G replaced by A.
Protein change: p.Asp1120Asn; replaces aspartic acid 1120 with asparagine.
Molecular consequence: missense variant.
Genome position (GRCh38, 1-based): chr17:17,796,306, G>A. VCF-style: chr17-17796306-G-A. GRCh37 (hg19) VCF-style: chr17-17699620-G-A.
Other names: short protein forms D1120N.
Identifiers: ClinVar variation 2889038 (VCV002889038.4), dbSNP rs753153422, ClinGen allele CA8418708.